The following is an entry in ClinVar:

ClinVar aggregate classification (germline): Uncertain significance (1 of 4 stars; one submission).

Conditions:
Neuropathy, hereditary sensory and autonomic, type 2A (HSAN2A). Also called: ACROOSTEOLYSIS, GIACCAI TYPE; ACROOSTEOLYSIS, NEUROGENIC; MORVAN DISEASE; NEUROPATHY, CONGENITAL SENSORY; NEUROPATHY, HEREDITARY SENSORY RADICULAR, AUTOSOMAL RECESSIVE; NEUROPATHY, HEREDITARY SENSORY, TYPE IIA. Identifiers: Orphanet 970, MedGen C2752089, MONDO:0024309, OMIM 201300.
Pseudohypoaldosteronism type 2C (PHA2C). Also called: Pseudohypoaldosteronism Type IIC. Identifiers: Orphanet 757, Orphanet 88940, MedGen C1840391, MONDO:0013778, OMIM 614492.

gnomAD v4.1: 1 of 1,613,778 alleles (0.000062%); highest among the groups gnomAD compares: Non-Finnish European, 0.000085%; no homozygotes.

Submission:

Labcorp Genetics (formerly Invitae), Labcorp
Classification: Uncertain significance for Neuropathy, hereditary sensory and autonomic, type 2A; Pseudohypoaldosteronism type 2C. Last evaluated: 2024-12-27. Review status: criteria provided, single submitter. Criteria: Invitae Variant Classification Sherloc (09022015). Collection method: clinical testing. Allele origin: germline.
Comment: This sequence change replaces arginine, which is basic and polar, with leucine, which is neutral and non-polar, at codon 1073 of the WNK1 protein (p.Arg1073Leu). This variant is not present in population databases (gnomAD no frequency). This variant has not been reported in the literature in individuals affected with WNK1-related conditions. Invitae Evidence Modeling of protein sequence and biophysical properties (such as structural, functional, and spatial information, amino acid conservation, physicochemical variation, residue mobility, and thermodynamic stability) indicates that this missense variant is not expected to disrupt WNK1 protein function with a negative predictive value of 95%. In summary, the available evidence is currently insufficient to determine the role of this variant in disease. Therefore, it has been classified as a Variant of Uncertain Significance.

NM_213655.5(WNK1):c.3218G>T (p.Arg1073Leu)

Gene: WNK1 (WNK lysine deficient protein kinase 1; plus strand). Cytogenetic location: 12p13.33.
Variant type: single nucleotide variant.
Coding change: c.3218G>T on transcript NM_213655.5 (MANE Plus Clinical); coding-DNA position 3218, G replaced by T.
Protein change: p.Arg1073Leu; replaces arginine 1073 with leucine.
Molecular consequence: missense variant. On other transcripts: intron variant (2).
Genome position (GRCh38, 1-based): chr12:868,689, G>T. VCF-style: chr12-868689-G-T. GRCh37 (hg19) VCF-style: chr12-977855-G-T.
Other names: c.2963G>T, p.Arg988Leu (NM_001184985.2); c.2140-2576G>T (NM_018979.4, NM_014823.3); short protein forms R1073L, R988L.
Identifiers: ClinVar variation 3753907 (VCV003753907.2).